The following is an entry in ClinVar:

ClinVar aggregate classification (germline): Uncertain significance (1 of 4 stars; one submission).

Conditions:
Neutropenia, severe congenital, 1, autosomal dominant. Identifiers: MedGen C1859966, MONDO:0042490, OMIM 202700.
Cyclical neutropenia. Also called: Cyclic hematopoiesis; Cyclic Neutropenia. Identifiers: Orphanet 2686, MedGen C0221023, MONDO:0008090, OMIM 162800, HP:0040289. Disease mechanism: loss of function.

Submission:

Labcorp Genetics (formerly Invitae), Labcorp
Classification: Uncertain significance for Neutropenia, severe congenital, 1, autosomal dominant; Cyclical neutropenia. Last evaluated: 2023-04-06. Review status: criteria provided, single submitter. Criteria: Invitae Variant Classification Sherloc (09022015). Collection method: clinical testing. Allele origin: germline.
Comment: This sequence change creates a premature translational stop signal (p.Cys55*) in the ELANE gene. It is expected to result in an absent or disrupted protein product. However, the current clinical and genetic evidence is not sufficient to establish whether loss-of-function variants in ELANE cause disease. This variant is not present in population databases (gnomAD no frequency). This variant has not been reported in the literature in individuals affected with ELANE-related conditions. In summary, the available evidence is currently insufficient to determine the role of this variant in disease. Therefore, it has been classified as a Variant of Uncertain Significance.

NM_001972.4(ELANE):c.165C>A (p.Cys55Ter)

Gene: ELANE (elastase, neutrophil expressed; plus strand). Cytogenetic location: 19p13.3.
Variant type: single nucleotide variant.
Coding change: c.165C>A on transcript NM_001972.4 (MANE Select); coding-DNA position 165, C replaced by A.
Protein change: p.Cys55Ter; replaces cysteine 55 with a stop codon.
Molecular consequence: nonsense.
Genome position (GRCh38, 1-based): chr19:852,973, C>A. VCF-style: chr19-852973-C-A. GRCh37 (hg19) VCF-style: chr19-852973-C-A.
Other names: short protein forms C55*.
Identifiers: ClinVar variation 2946202 (VCV002946202.3), dbSNP rs765808422, ClinGen allele CA402914682.
Genomic context (GRCh38, chr19:852,973, plus strand): 5'-AGCGCGGCCCCACGCGTGGCCCTTCATGGTGTCCCTGCAGCTGCGCGGAGGCCACTTCTG[C>A]GGCGCCACCCTGATTGCGCCCAACTTCGTCATGTCGGCCGCGCACTGCGTGGCGAATGTG-3'